The following is an entry in ClinVar:

NM_002948.5(RPL15):c.165_172+16del

Genes: NKIRAS1 (NFKB inhibitor interacting Ras like 1; minus strand), RPL15 (ribosomal protein L15; plus strand). Cytogenetic location: 3p24.2.
Variant type: Deletion.
Coding change: c.165_172+16del on transcript NM_002948.5 (MANE Select); coding-DNA position 165 through 16 bases into the intron after coding-DNA position 172, 24 bases deleted (CAAGCAAGGTACGTGATCGACTGC).
Molecular consequence: splice donor variant. On other transcripts: intron variant (1).
Genome position (GRCh38, 1-based): chr3:23,918,024-23,918,047, CAAGCAAGGTACGTGATCGACTGC deleted; deleting any 24 consecutive bases within chr3:23,918,022-23,918,047 gives the same sequence; the c. name uses the placement nearest the transcript's 3' end. VCF-style (leftmost placement, unchanged base first): chr3-23918021-GGCCAAGCAAGGTACGTGATCGACT-G. GRCh37 (hg19) VCF-style: chr3-23959512-GGCCAAGCAAGGTACGTGATCGACT-G.
Other names: c.-139-6595_-139-6572del (NM_001377380.1); c.165_172+16del (NM_001253384.2, NM_001253379.2, NM_001253380.2 and 2 more transcripts).
Identifiers: ClinVar variation 2672935 (VCV002672935.21), dbSNP rs2471215565, ClinGen allele CA2695197770.

ClinVar aggregate classification (germline): Pathogenic (1 of 4 stars; one submission).

Submission:

CeGaT Center for Human Genetics Tuebingen
Classification: Pathogenic. Last evaluated: 2023-11-01. Review status: criteria provided, single submitter. Criteria: CeGaT Center For Human Genetics Tuebingen Variant Classification Criteria Version 2. Collection method: clinical testing. Allele origin: germline. Affected: yes. Observed: 1 variant allele.
Comment: RPL15: PVS1, PM2